The following is an entry in ClinVar:

ClinVar aggregate classification (germline): Likely pathogenic (1 of 4 stars; one submission).

gnomAD v4.1: 2 of 1,613,550 alleles (0.00012%); highest among the groups gnomAD compares: Middle Eastern, 0.016%; no homozygotes.

Submission:

GeneDx
Classification: Likely pathogenic. Last evaluated: 2016-03-11. Review status: criteria provided, single submitter. Criteria: GeneDx Variant Classification (06012015). Collection method: clinical testing. Allele origin: germline. Affected: yes.
Comment: The L539P likely pathogenic variant in the RARS2 gene has not been reported previously as a pathogenic variant, nor as a benign variant, to our knowledge. The L539P variant was not observed in approximately 6500 individuals of European and African American ancestry in the NHLBI Exome Sequencing Project, indicating it is not a common benign variant in these populations. The L539P variant is a semi-conservative amino acid substitution, which occurs at a position that is conserved across species. In silico analysis is inconsistent in its predictions as to whether or not the variant is damaging to the protein structure/function.

NM_020320.5(RARS2):c.1616T>C (p.Leu539Pro)

Gene: RARS2 (arginyl-tRNA synthetase 2, mitochondrial; minus strand). Cytogenetic location: 6q15.
Variant type: single nucleotide variant.
Coding change: c.1616T>C on transcript NM_020320.5 (MANE Select); coding-DNA position 1616, T replaced by C.
Protein change: p.Leu539Pro; replaces leucine 539 with proline.
Molecular consequence: missense variant. On other transcripts: non-coding transcript variant (23).
Genome position (GRCh38, 1-based): chr6:87,514,991, A>G on the plus strand (T>C on the coding strand, the complement: RARS2 is on the minus strand). VCF-style: chr6-87514991-A-G. GRCh37 (hg19) VCF-style: chr6-88224709-A-G.
Other names: c.1091T>C, p.Leu364Pro (NM_001318785.2, NM_001350506.2, NM_001350507.2 and 4 more transcripts); c.1616T>C, p.Leu539Pro (NM_001350505.2); short protein forms L539P, L364P.
Identifiers: ClinVar variation 384784 (VCV000384784.2), dbSNP rs1057522050, ClinGen allele CA16605096.